The following is an entry in ClinVar:

NM_000218.3(KCNQ1):c.1256A>G (p.Lys419Arg)

Gene: KCNQ1 (potassium voltage-gated channel subfamily Q member 1; plus strand). Cytogenetic location: 11p15.5.
Variant type: single nucleotide variant.
Coding change: c.1256A>G on transcript NM_000218.3 (MANE Select); coding-DNA position 1256, A replaced by G.
Protein change: p.Lys419Arg; replaces lysine 419 with arginine.
Molecular consequence: missense variant.
Genome position (GRCh38, 1-based): chr11:2,588,717, A>G. VCF-style: chr11-2588717-A-G. GRCh37 (hg19) VCF-style: chr11-2609947-A-G.
Other names: c.1160A>G, p.Lys387Arg (NM_001406836.1); c.986A>G, p.Lys329Arg (NM_001406837.1); c.716A>G, p.Lys239Arg (NM_001406838.1); c.875A>G, p.Lys292Arg (NM_181798.2); short protein forms K292R, K419R, K239R, K387R, K329R.
Identifiers: ClinVar variation 629983 (VCV000629983.5), dbSNP rs757328965, ClinGen allele CA216334571.

ClinVar aggregate classification (germline): Uncertain significance (1 of 4 stars; one submission).

Conditions:
Cardiac arrhythmia. Also called: Cardiac rhythm disease; Arrhythmia. Identifiers: MedGen C0003811, MONDO:0007263, HP:0011675.

Allele frequency attached by ClinVar (database versions not stated): gnomAD exomes below 0.00001.
gnomAD v4.1: 2 of 1,613,474 alleles (0.00012%); highest among the groups gnomAD compares: Non-Finnish European, 0.00017%; no homozygotes.

Submission:

Color Diagnostics, LLC DBA Color Health
Classification: Uncertain significance for Arrhythmia. Last evaluated: 2018-10-26. Review status: criteria provided, single submitter. Criteria: ACMG Guidelines, 2015. Collection method: clinical testing. Allele origin: germline.
Comment: Variant of Uncertain Significance due to insufficient evidence: This variant is a missense variant located in the C-terminal domain of the KCNQ1 protein. Computational prediction tools and conservation analyses are inconclusive regarding the impact of this variant on the protein function. Computational splicing tools suggest that this variant may not impact RNA splicing. To our knowledge, functional assays have not been performed for this variant nor has the variant been reported in individuals affected with cardiovascular disease in the literature. This variant is rare in the general population and has been identified in 0/277264 chromosomes by the Genome Aggregation Database (gnomAD). Available evidence is insufficient to determine the pathogenicity of this variant conclusively.